The following is an entry in ClinVar:

NM_007254.4(PNKP):c.142A>T (p.Arg48Ter)

Gene: PNKP (polynucleotide kinase 3'-phosphatase; minus strand). Cytogenetic location: 19q13.33.
Variant type: single nucleotide variant.
Coding change: c.142A>T on transcript NM_007254.4 (MANE Select); coding-DNA position 142, A replaced by T.
Protein change: p.Arg48Ter; replaces arginine 48 with a stop codon.
Molecular consequence: nonsense.
Genome position (GRCh38, 1-based): chr19:49,867,063, T>A on the plus strand (A>T on the coding strand, the complement: PNKP is on the minus strand). VCF-style: chr19-49867063-T-A. GRCh37 (hg19) VCF-style: chr19-50370320-T-A.
Other names: short protein forms R48*.
Identifiers: ClinVar variation 4728625 (VCV004728625.1).

ClinVar aggregate classification (germline): Pathogenic (1 of 4 stars; one submission).

Conditions:
Developmental and epileptic encephalopathy, 12 (DEE12). Identifiers: MedGen C3150988, MONDO:0013389, OMIM 613722.

Submission:

Labcorp Genetics (formerly Invitae), Labcorp
Classification: Pathogenic for Developmental and epileptic encephalopathy, 12. Last evaluated: 2025-10-07. Review status: criteria provided, single submitter. Criteria: Invitae Variant Classification Sherloc (09022015). Collection method: clinical testing. Allele origin: germline.
Comment: This sequence change creates a premature translational stop signal (p.Arg48*) in the PNKP gene. It is expected to result in an absent or disrupted protein product. Loss-of-function variants in PNKP are known to be pathogenic (PMID: 20118933, 25728773). This variant is not present in population databases (gnomAD no frequency). This variant has not been reported in the literature in individuals affected with PNKP-related conditions. For these reasons, this variant has been classified as Pathogenic.

Literature cited by the submitters: PubMed 20118933; PubMed 25728773.